The following is an entry in ClinVar:

ClinVar aggregate classification (germline): Uncertain significance (1 of 4 stars; one submission).

Submission:

Labcorp Genetics (formerly Invitae), Labcorp
Classification: Uncertain significance. Last evaluated: 2022-03-29. Review status: criteria provided, single submitter. Criteria: Invitae Variant Classification Sherloc (09022015). Collection method: clinical testing. Allele origin: germline.
Comment: This variant is not present in population databases (gnomAD no frequency). This sequence change falls in intron 47 of the CACNA1F gene. It does not directly change the encoded amino acid sequence of the CACNA1F protein. In summary, the available evidence is currently insufficient to determine the role of this variant in disease. Therefore, it has been classified as a Variant of Uncertain Significance. Algorithms developed to predict the effect of sequence changes on RNA splicing suggest that this variant may create or strengthen a splice site. This variant has not been reported in the literature in individuals affected with CACNA1F-related conditions.

NM_001256789.3(CACNA1F):c.5670+14G>A

Gene: CACNA1F (calcium voltage-gated channel subunit alpha1 F; minus strand). Cytogenetic location: Xp11.23.
Variant type: single nucleotide variant.
Coding change: c.5670+14G>A on transcript NM_001256789.3 (MANE Select); 14 bases into the intron after coding-DNA position 5670, G replaced by A.
Molecular consequence: intron variant.
Genome position (GRCh38, 1-based): chrX:49,205,602, C>T on the plus strand (G>A on the coding strand, the complement: CACNA1F is on the minus strand). VCF-style: chrX-49205602-C-T. GRCh37 (hg19) VCF-style: chrX-49062062-C-T.
Other names: c.5703+14G>A (NM_005183.4); c.5508+14G>A (NM_001256790.3).
Identifiers: ClinVar variation 1941833 (VCV001941833.5), dbSNP rs2520668935, ClinGen allele CA2580101105.